The following is an entry in ClinVar:

ClinVar aggregate classification (germline): Uncertain significance (1 of 4 stars; one submission).

Conditions:
Nephronophthisis 15 (NPHP15). Identifiers: Orphanet 3156, MedGen C3541853, MONDO:0013917, OMIM 614845.

gnomAD v4.1: 4 of 1,614,102 alleles (0.00025%); highest among the groups gnomAD compares: Admixed American, 0.0033%; no homozygotes.

Submission:

Labcorp Genetics (formerly Invitae), Labcorp
Classification: Uncertain significance for Nephronophthisis 15. Last evaluated: 2022-11-28. Review status: criteria provided, single submitter. Criteria: Invitae Variant Classification Sherloc (09022015). Collection method: clinical testing. Allele origin: germline.
Comment: In summary, the available evidence is currently insufficient to determine the role of this variant in disease. Therefore, it has been classified as a Variant of Uncertain Significance. Algorithms developed to predict the effect of missense changes on protein structure and function output the following: SIFT: "Tolerated"; PolyPhen-2: "Benign"; Align-GVGD: "Class C0". The serine amino acid residue is found in multiple mammalian species, which suggests that this missense change does not adversely affect protein function. ClinVar contains an entry for this variant (Variation ID: 1498069). This variant has not been reported in the literature in individuals affected with CEP164-related conditions. This variant is present in population databases (rs770996340, gnomAD 0.006%). This sequence change replaces tyrosine, which is neutral and polar, with serine, which is neutral and polar, at codon 18 of the CEP164 protein (p.Tyr18Ser).

NM_014956.5(CEP164):c.53A>C (p.Tyr18Ser)

Gene: CEP164 (centrosomal protein 164; plus strand). Cytogenetic location: 11q23.3.
Variant type: single nucleotide variant.
Coding change: c.53A>C on transcript NM_014956.5 (MANE Select); coding-DNA position 53, A replaced by C.
Protein change: p.Tyr18Ser; replaces tyrosine 18 with serine.
Molecular consequence: missense variant.
Genome position (GRCh38, 1-based): chr11:117,338,639, A>C. VCF-style: chr11-117338639-A-C. GRCh37 (hg19) VCF-style: chr11-117209355-A-C.
Other names: c.53A>C, p.Tyr18Ser (NM_001271933.2); short protein forms Y18S.
Identifiers: ClinVar variation 1498069 (VCV001498069.4), dbSNP rs770996340, ClinGen allele CA6294306.